The following is an entry in ClinVar:

ClinVar aggregate classification (germline): Uncertain significance. Review status: criteria provided, multiple submitters, no conflicts (2 of 4 stars). 3 submissions from 3 submitters: Uncertain significance (3). Last evaluated 2026-04-06.

Conditions:
Familial focal epilepsy with variable foci (FPEVF). Identifiers: Orphanet 98820, MedGen C1858477, MONDO:0020310.
Inborn genetic diseases. Identifiers: MedGen C0950123, MeSH D030342.

Allele frequency attached by ClinVar (database versions not stated): gnomAD 0.00001; TOPMed below 0.00001.
gnomAD v4.1: 6 of 1,613,866 alleles (0.00037%); highest among the groups gnomAD compares: Non-Finnish European, 0.00051%; no homozygotes.

Submissions (3):

Ambry Genetics
Classification: Uncertain significance for Inborn genetic diseases. Last evaluated: 2026-04-06. Review status: criteria provided, single submitter. Criteria: Ambry Variant Classification Scheme 2023. Collection method: clinical testing. Allele origin: germline.

GeneDx
Classification: Uncertain significance. Last evaluated: 2025-03-24. Review status: criteria provided, single submitter. Criteria: GeneDx Variant Classification Process June 2021. Collection method: clinical testing. Allele origin: germline. Affected: yes.
Comment: Not observed at significant frequency in large population cohorts (gnomAD); In silico analysis supports that this missense variant has a deleterious effect on protein structure/function; Has not been previously published as pathogenic or benign to our knowledge

Labcorp Genetics (formerly Invitae), Labcorp
Classification: Uncertain significance for Familial focal epilepsy with variable foci. Last evaluated: 2022-10-18. Review status: criteria provided, single submitter. Criteria: Invitae Variant Classification Sherloc (09022015). Collection method: clinical testing. Allele origin: germline.
Comment: In summary, the available evidence is currently insufficient to determine the role of this variant in disease. Therefore, it has been classified as a Variant of Uncertain Significance. Algorithms developed to predict the effect of missense changes on protein structure and function are either unavailable or do not agree on the potential impact of this missense change (SIFT: "Deleterious"; PolyPhen-2: "Not Available"; Align-GVGD: "Class C25"). ClinVar contains an entry for this variant (Variation ID: 1007766). This variant has not been reported in the literature in individuals affected with DEPDC5-related conditions. This variant is not present in population databases (gnomAD no frequency). This sequence change replaces asparagine, which is neutral and polar, with threonine, which is neutral and polar, at codon 1444 of the DEPDC5 protein (p.Asn1444Thr).

NM_001242896.3(DEPDC5):c.4331A>C (p.Asn1444Thr)

Gene: DEPDC5 (DEP domain containing 5, GATOR1 subcomplex subunit; plus strand). Cytogenetic location: 22q12.3.
Variant type: single nucleotide variant.
Coding change: c.4331A>C on transcript NM_001242896.3 (MANE Select); coding-DNA position 4331, A replaced by C.
Protein change: p.Asn1444Thr; replaces asparagine 1444 with threonine.
Molecular consequence: missense variant. On other transcripts: non-coding transcript variant (5).
Genome position (GRCh38, 1-based): chr22:31,897,609, A>C. VCF-style: chr22-31897609-A-C. GRCh37 (hg19) VCF-style: chr22-32293595-A-C.
Other names: c.4304A>C, p.Asn1435Thr (NM_001136029.4); c.4031A>C, p.Asn1344Thr (NM_001242897.2); c.4265A>C, p.Asn1422Thr (NM_001363852.2, NM_001364320.2); c.4097A>C, p.Asn1366Thr (NM_001363854.2, NM_001364319.2); c.4331A>C, p.Asn1444Thr (NM_001364318.2); c.4247A>C, p.Asn1416Thr (NM_001369901.1, NM_001369902.1); c.4238A>C, p.Asn1413Thr (NM_001369903.1, NM_014662.6); c.4331A>C (NM_001242896.1); short protein forms N1344T, N1366T, N1413T, N1416T, N1422T, N1435T, N1444T.
Identifiers: ClinVar variation 1007766 (VCV001007766.10), dbSNP rs758019161, ClinGen allele CA411288797.